The following is an entry in ClinVar:

NM_015346.4(ZFYVE26):c.4669del (p.Ala1557fs)

Gene: ZFYVE26 (zinc finger FYVE-type containing 26; minus strand). Cytogenetic location: 14q24.1.
Variant type: Deletion.
Coding change: c.4669del on transcript NM_015346.4 (MANE Select); coding-DNA position 4669, one base deleted (G; older notation c.4669delG).
Protein change: p.Ala1557fs; shifts the reading frame from alanine 1557.
Molecular consequence: frameshift variant.
Genome position (GRCh38, 1-based): chr14:67,780,246, C deleted on the plus strand (G on the coding strand, the reverse complement: ZFYVE26 is on the minus strand). VCF-style (leftmost placement, unchanged base first): chr14-67780245-GC-G. GRCh37 (hg19) VCF-style: chr14-68246962-GC-G.
Other names: short protein forms A1557fs.
Identifiers: ClinVar variation 5016001 (VCV005016001.1).

ClinVar aggregate classification (germline): Pathogenic (1 of 4 stars; one submission).

Conditions:
Hereditary spastic paraplegia 15 (SPG15). Also called: SPASTIC PARAPLEGIA 15, AUTOSOMAL RECESSIVE; KJELLIN SYNDROME; SPASTIC PARAPLEGIA AND RETINAL DEGENERATION. Identifiers: Orphanet 100996, MedGen C1849128, MONDO:0010044, OMIM 270700.

Submission:

Myriad Genetics, Inc.
Classification: Pathogenic for Hereditary spastic paraplegia 15. Last evaluated: 2026-06-07. Review status: criteria provided, single submitter. Criteria: Myriad Autosomal Dominant, Autosomal Recessive and X-Linked Classification Criteria (2023). Collection method: clinical testing. Allele origin: unknown.
Comment: NM_015346.3(ZFYVE26):c.4669delG(A1557Hfs*21) is expected to be pathogenic in the context of spastic paraplegia type 15. This variant is predicted to lead to an abnormal or absent protein product due to the creation of a premature termination codon in ZFYVE26, a gene where loss-of-function variants are known to be pathogenic. Please note: this variant was assessed in the context of healthy population screening.